The following is an entry in ClinVar:

ClinVar aggregate classification (germline): Conflicting classifications of pathogenicity. Review status: criteria provided, conflicting classifications (1 of 4 stars). 2 submissions from 2 submitters: Uncertain significance (1); Likely benign (1). Last evaluated 2026-03-24.

Conditions:
Inborn genetic diseases. Identifiers: MedGen C0950123, MeSH D030342.

Submissions (2):

Ambry Genetics
Classification: Likely benign for Inborn genetic diseases. Last evaluated: 2026-03-24. Review status: criteria provided, single submitter. Criteria: Ambry Variant Classification Scheme 2023. Collection method: clinical testing. Allele origin: germline.

Labcorp Genetics (formerly Invitae), Labcorp
Classification: Uncertain significance. Last evaluated: 2025-11-03. Review status: criteria provided, single submitter. Criteria: Invitae Variant Classification Sherloc (09022015). Collection method: clinical testing. Allele origin: germline.
Comment: This variant, c.3682_3684del, results in the deletion of 1 amino acid(s) of the KAT6A protein (p.Glu1228del), but otherwise preserves the integrity of the reading frame. The frequency data for this variant in the population databases is considered unreliable, as metrics indicate poor data quality at this position in the gnomAD database. This variant has not been reported in the literature in individuals affected with KAT6A-related conditions. Experimental studies and prediction algorithms are not available or were not evaluated, and the functional significance of this variant is currently unknown. In summary, the available evidence is currently insufficient to determine the role of this variant in disease. Therefore, it has been classified as a Variant of Uncertain Significance.

NM_006766.5(KAT6A):c.3673GAG[3] (p.Glu1228del)

Gene: KAT6A (lysine acetyltransferase 6A; minus strand). Cytogenetic location: 8p11.21.
Variant type: Microsatellite.
Coding change: c.3673GAG[3] on transcript NM_006766.5 (MANE Select); three copies in a row of the 3-base unit GAG starting at c.3673; the reference has four copies in a row; one copy, 3 bases deleted.
Protein change: p.Glu1228del; deletes glutamic acid 1228.
Molecular consequence: inframe deletion.
Genome position (GRCh38, 1-based): chr8:41,934,536-41,934,538, CTC deleted on the plus strand (GAG on the coding strand, the reverse complement: KAT6A is on the minus strand); deleting any 3 consecutive bases within chr8:41,934,536-41,934,549 gives the same sequence; the position shown is the placement nearest the transcript's 3' end. VCF-style (leftmost placement, unchanged base first): chr8-41934535-TCTC-T. GRCh37 (hg19) VCF-style: chr8-41792053-TCTC-T.
Other names: c.3682_3684delGAG (NM_006766.3); short protein forms E1228del.
Identifiers: ClinVar variation 2168506 (VCV002168506.5), dbSNP rs749689463, ClinGen allele CA4729630.